The following is an entry in ClinVar:

ClinVar aggregate classification (germline): Likely pathogenic (1 of 4 stars; one submission).

Conditions:
Alstrom syndrome (ALMS). Identifiers: Orphanet 64, MedGen C0268425, MONDO:0008763, OMIM 203800.

Submission:

Natera, Inc.
Classification: Likely pathogenic for Alstrom syndrome. Last evaluated: 2025-04-22. Review status: criteria provided, single submitter. Criteria: Natera Variant Classification Schema (03/2026). Collection method: clinical testing. Allele origin: germline.
Comment: The c.6124C>T variant in ALMS1 is a nonsense variant predicted to introduce a stop codon at amino acid 2042. This variant is expected to result in nonsense mediated decay, truncation, or a dysfunctional protein product. This variant is rare in the general population with a frequency below the threshold expected for the associated phenotype(s). Given the available evidence, this variant is classified as Likely Pathogenic.

NM_001378454.1(ALMS1):c.6121C>T (p.Gln2041Ter)

Gene: ALMS1 (ALMS1 centrosome and basal body associated protein; plus strand). Cytogenetic location: 2p13.1.
Variant type: single nucleotide variant.
Coding change: c.6121C>T on transcript NM_001378454.1 (MANE Select); coding-DNA position 6121, C replaced by T.
Protein change: p.Gln2041Ter; replaces glutamine 2041 with a stop codon.
Molecular consequence: nonsense.
Genome position (GRCh38, 1-based): chr2:73,452,648, C>T. VCF-style: chr2-73452648-C-T. GRCh37 (hg19) VCF-style: chr2-73679775-C-T.
Other names: c.6124C>T, p.Gln2042Ter (NM_015120.4); short protein forms Q2041*, Q2042*.
Identifiers: ClinVar variation 4058128 (VCV004058128.2).